The following is an entry in ClinVar:

NM_005732.4(RAD50):c.395A>G (p.Lys132Arg)

Gene: RAD50 (RAD50 double strand break repair protein; plus strand). Cytogenetic location: 5q31.1.
Variant type: single nucleotide variant.
Coding change: c.395A>G on transcript NM_005732.4 (MANE Select); coding-DNA position 395, A replaced by G.
Protein change: p.Lys132Arg; replaces lysine 132 with arginine.
Molecular consequence: missense variant.
Genome position (GRCh38, 1-based): chr5:132,579,346, A>G. VCF-style: chr5-132579346-A-G. GRCh37 (hg19) VCF-style: chr5-131915038-A-G.
Other names: short protein forms K132R.
Identifiers: ClinVar variation 184970 (VCV000184970.9), dbSNP rs786201831, ClinGen allele CA190624.

ClinVar aggregate classification (germline): Uncertain significance. Review status: criteria provided, multiple submitters, no conflicts (2 of 4 stars). 3 submissions from 3 submitters: Uncertain significance (3). Last evaluated 2024-03-03.

Conditions:
Hereditary cancer-predisposing syndrome. Also called: Hereditary neoplastic syndrome; Neoplastic Syndromes, Hereditary; Tumor predisposition; Hereditary Cancer Syndrome. Identifiers: Orphanet 140162, MedGen C0027672, MeSH D009386, MONDO:0015356.
Nijmegen breakage syndrome-like disorder (NBSLD). Also called: MICROCEPHALY AND SPONTANEOUS CHROMOSOME INSTABILITY WITHOUT IMMUNODEFICIENCY; NBS-LIKE DISORDER; RAD50 DEFICIENCY. Identifiers: Orphanet 240760, MedGen C2751318, MONDO:0013118, OMIM 613078.

Allele frequency attached by ClinVar (database versions not stated): gnomAD exomes below 0.00001; gnomAD 0.00001.
gnomAD v4.1: 4 of 1,613,894 alleles (0.00025%); highest among the groups gnomAD compares: Non-Finnish European, 0.00034%; no homozygotes.

Submissions (3):

Baylor Genetics
Classification: Uncertain significance for Nijmegen breakage syndrome-like disorder. Last evaluated: 2024-03-03. Review status: criteria provided, single submitter. Criteria: ACMG Guidelines, 2015. Collection method: clinical testing. Allele origin: unknown.

Labcorp Genetics (formerly Invitae), Labcorp
Classification: Uncertain significance for Hereditary cancer-predisposing syndrome. Last evaluated: 2023-09-30. Review status: criteria provided, single submitter. Criteria: Invitae Variant Classification Sherloc (09022015). Collection method: clinical testing. Allele origin: germline.
Comment: Advanced modeling of protein sequence and biophysical properties (such as structural, functional, and spatial information, amino acid conservation, physicochemical variation, residue mobility, and thermodynamic stability) performed at Invitae indicates that this missense variant is not expected to disrupt RAD50 protein function. In summary, the available evidence is currently insufficient to determine the role of this variant in disease. Therefore, it has been classified as a Variant of Uncertain Significance. ClinVar contains an entry for this variant (Variation ID: 184970). This variant has not been reported in the literature in individuals affected with RAD50-related conditions. This variant is not present in population databases (gnomAD no frequency). This sequence change replaces lysine, which is basic and polar, with arginine, which is basic and polar, at codon 132 of the RAD50 protein (p.Lys132Arg).

Ambry Genetics
Classification: Uncertain significance for Hereditary cancer-predisposing syndrome. Last evaluated: 2014-09-29. Review status: criteria provided, single submitter. Criteria: Ambry Variant Classification Scheme 2023. Collection method: clinical testing. Allele origin: germline.
Comment: The p.K132R variant (also known as c.395A>G), located in coding exon 4 of the RAD50 gene, results from an A to G substitution at nucleotide position 395. The lysine at codon 132 is replaced by arginine, an amino acid with highly similar properties. This variant was not reported in population based cohorts in the following databases: Database of Single Nucleotide Polymorphisms (dbSNP), NHLBI Exome Sequencing Project (ESP), and 1000 Genomes Project. In the ESP, this variant was not observed in 6503 samples (13006 alleles) with coverage at this position. To date, this alteration has been detected with an allele frequency of approximately 0.005% (greater than 22000 alleles tested) in our clinical cohort. This amino acid position is highly conserved in available vertebrate species. In addition, this alteration is predicted to be possibly damaging and tolerated by PolyPhen and SIFT in silico analyses, respectively. Since supporting evidence is limited at this time, the clinical significance of p.K132R remains unclear.